The following is an entry in ClinVar:

ClinVar aggregate classification (germline): Pathogenic/Likely pathogenic. Review status: criteria provided, multiple submitters, no conflicts (2 of 4 stars). 2 submissions from 2 submitters: Pathogenic (1); Likely pathogenic (1). Last evaluated 2025-12-29.

Conditions:
Hereditary spastic paraplegia 49 (HSAN9). Also called: Spastic paraplegia 49, autosomal recessive; NEUROPATHY, HEREDITARY SENSORY AND AUTONOMIC, TYPE IX, WITH DEVELOPMENTAL DELAY; TECPR2-Related Hereditary Sensory and Autonomic Neuropathy with Intellectual Disability. Identifiers: Orphanet 320385, MedGen C5190860, MONDO:0014016, OMIM 615031.

Allele frequency attached by ClinVar (database versions not stated): gnomAD exomes below 0.00001.
gnomAD v4.1: 4 of 1,613,732 alleles (0.00025%); highest among the groups gnomAD compares: Non-Finnish European, 0.00034%; no homozygotes.

Submissions (2):

Natera, Inc.
Classification: Likely pathogenic for Autosomal recessive spastic paraplegia type 49. Last evaluated: 2025-12-29. Review status: criteria provided, single submitter. Criteria: Natera Variant Classification Schema (03/2026). Collection method: clinical testing. Allele origin: germline.
Comment: The c.2093G>A variant in TECPR2 is a nonsense variant predicted to introduce a stop codon at amino acid 698. This variant is expected to result in nonsense mediated decay, truncation, or a dysfunctional protein product. This variant is rare in the general population with a frequency below the threshold expected for the associated phenotype(s). Given the available evidence, this variant is classified as Likely Pathogenic.

Labcorp Genetics (formerly Invitae), Labcorp
Classification: Pathogenic for Hereditary spastic paraplegia 49. Last evaluated: 2023-04-10. Review status: criteria provided, single submitter. Criteria: Invitae Variant Classification Sherloc (09022015). Collection method: clinical testing. Allele origin: germline.
Comment: This sequence change creates a premature translational stop signal (p.Trp698*) in the TECPR2 gene. It is expected to result in an absent or disrupted protein product. Loss-of-function variants in TECPR2 are known to be pathogenic (PMID: 23176824, 25590979). This variant is not present in population databases (gnomAD no frequency). This variant has not been reported in the literature in individuals affected with TECPR2-related conditions. ClinVar contains an entry for this variant (Variation ID: 1072318). For these reasons, this variant has been classified as Pathogenic.

Literature cited by the submitters: PubMed 23176824 (cited by Labcorp Genetics (formerly Invitae), Labcorp); PubMed 25590979 (cited by Labcorp Genetics (formerly Invitae), Labcorp).

NM_014844.5(TECPR2):c.2093G>A (p.Trp698Ter)

Gene: TECPR2 (tectonin beta-propeller repeat containing 2; plus strand). Cytogenetic location: 14q32.31.
Variant type: single nucleotide variant.
Coding change: c.2093G>A on transcript NM_014844.5 (MANE Select); coding-DNA position 2093, G replaced by A.
Protein change: p.Trp698Ter; replaces tryptophan 698 with a stop codon.
Molecular consequence: nonsense.
Genome position (GRCh38, 1-based): chr14:102,434,910, G>A. VCF-style: chr14-102434910-G-A. GRCh37 (hg19) VCF-style: chr14-102901247-G-A.
Other names: c.2093G>A (NM_014844.4); c.2093G>A, p.Trp698Ter (NM_001172631.3); short protein forms W698*.
Identifiers: ClinVar variation 1072318 (VCV001072318.8), dbSNP rs2139731631, ClinGen allele CA391062104.